The following is an entry in ClinVar:

NM_001458.5(FLNC):c.2702A>C (p.Lys901Thr)

Gene: FLNC (filamin C; plus strand). Cytogenetic location: 7q32.1.
Variant type: single nucleotide variant.
Coding change: c.2702A>C on transcript NM_001458.5 (MANE Select); coding-DNA position 2702, A replaced by C.
Protein change: p.Lys901Thr; replaces lysine 901 with threonine.
Molecular consequence: missense variant.
Genome position (GRCh38, 1-based): chr7:128,843,468, A>C. VCF-style: chr7-128843468-A-C. GRCh37 (hg19) VCF-style: chr7-128483522-A-C.
Other names: c.2702A>C, p.Lys901Thr (NM_001127487.2); short protein forms K901T.
Identifiers: ClinVar variation 3752155 (VCV003752155.2).
Genomic context (GRCh38, chr7:128,843,468, plus strand): 5'-GTGTGGAAGTCGGGAAGCCCACCCACTTCACGGTGCTGACCAAGGGAGCCGGCAAGGCCA[A>C]GCTGGATGTGCAGTTTGCAGGGACAGCCAAGGGCGAGGTTGTGCGGGACTTTGAGATCAT-3'
Protein context (NP_001449.3, residues 891-911): TVLTKGAGKA[Lys901Thr]LDVQFAGTAK

ClinVar aggregate classification (germline): Uncertain significance (1 of 4 stars; one submission).

Conditions:
Distal myopathy with posterior leg and anterior hand involvement. Also called: WILLIAMS DISTAL MYOPATHY. Identifiers: Orphanet 63273, MedGen C3279722, MONDO:0013550, OMIM 614065.
Hypertrophic cardiomyopathy 26. Also called: Cardiomyopathy, familial hypertrophic, 26. Identifiers: Orphanet 75249, MedGen C4310749, MONDO:0014883, OMIM 617047.
Myofibrillar myopathy 5. Also called: Filaminopathy (type); FILAMINOPATHY, AUTOSOMAL DOMINANT. Identifiers: Orphanet 171445, MedGen C1836050, MONDO:0012289, OMIM 609524.

Submission:

Labcorp Genetics (formerly Invitae), Labcorp
Classification: Uncertain significance for Distal myopathy with posterior leg and anterior hand involvement; Myofibrillar myopathy 5; Hypertrophic cardiomyopathy 26. Last evaluated: 2024-06-07. Review status: criteria provided, single submitter. Criteria: Invitae Variant Classification Sherloc (09022015). Collection method: clinical testing. Allele origin: germline.
Comment: This sequence change replaces lysine, which is basic and polar, with threonine, which is neutral and polar, at codon 901 of the FLNC protein (p.Lys901Thr). This variant is not present in population databases (gnomAD no frequency). This variant has not been reported in the literature in individuals affected with FLNC-related conditions. Advanced modeling of protein sequence and biophysical properties (such as structural, functional, and spatial information, amino acid conservation, physicochemical variation, residue mobility, and thermodynamic stability) has been performed at Invitae for this missense variant, however the output from this modeling did not meet the statistical confidence thresholds required to predict the impact of this variant on FLNC protein function. In summary, the available evidence is currently insufficient to determine the role of this variant in disease. Therefore, it has been classified as a Variant of Uncertain Significance.